The following is an entry in ClinVar:

NM_014003.4(DHX38):c.2215G>A (p.Ala739Thr)

Gene: DHX38 (DEAH-box helicase 38; plus strand). Cytogenetic location: 16q22.2.
Variant type: single nucleotide variant.
Coding change: c.2215G>A on transcript NM_014003.4 (MANE Select); coding-DNA position 2215, G replaced by A.
Protein change: p.Ala739Thr; replaces alanine 739 with threonine.
Molecular consequence: missense variant.
Genome position (GRCh38, 1-based): chr16:72,105,090, G>A. VCF-style: chr16-72105090-G-A. GRCh37 (hg19) VCF-style: chr16-72138989-G-A.
Other names: short protein forms A739T.
Identifiers: ClinVar variation 956290 (VCV000956290.9), dbSNP rs201461331, ClinGen allele CA8160568.
Genomic context (GRCh38, chr16:72,105,090, plus strand): 5'-CCACAGGAGGATTACGTGGAGGCTGCAGTGAAGCAGTCCTTGCAGGTGCACCTGTCGGGG[G>A]CCCCTGGAGACATCCTTATCTTCATGCCTGGCCAAGAGGACATTGAGGTGCGTGCCTTGG-3'
Protein context (NP_054722.2, residues 729-749): KQSLQVHLSG[Ala739Thr]PGDILIFMPG

ClinVar aggregate classification (germline): Uncertain significance. Review status: criteria provided, multiple submitters, no conflicts (2 of 4 stars). 3 submissions from 3 submitters: Uncertain significance (3). Last evaluated 2025-08-27.

Allele frequency attached by ClinVar (database versions not stated): TOPMed 0.00008; gnomAD 0.00009; ESP Exome Variant Server 0.00015.
gnomAD v4.1: 57 of 1,614,092 alleles (0.0035%); highest among the groups gnomAD compares: Middle Eastern, 0.033%; no homozygotes.

Submissions (3):

Ambry Genetics
Classification: Uncertain significance. Last evaluated: 2025-08-27. Review status: criteria provided, single submitter. Criteria: Ambry Variant Classification Scheme 2023. Collection method: clinical testing. Allele origin: germline.

Blueprint Genetics
Classification: Uncertain significance. Last evaluated: 2024-11-05. Review status: criteria provided, single submitter. Criteria: ACMG Guidelines, 2015. Collection method: clinical testing. Allele origin: germline.

Labcorp Genetics (formerly Invitae), Labcorp
Classification: Uncertain significance. Last evaluated: 2024-02-23. Review status: criteria provided, single submitter. Criteria: Invitae Variant Classification Sherloc (09022015). Collection method: clinical testing. Allele origin: germline.
Comment: This sequence change replaces alanine, which is neutral and non-polar, with threonine, which is neutral and polar, at codon 739 of the DHX38 protein (p.Ala739Thr). This variant is present in population databases (rs201461331, gnomAD 0.02%). This variant has not been reported in the literature in individuals affected with DHX38-related conditions. ClinVar contains an entry for this variant (Variation ID: 956290). Advanced modeling of protein sequence and biophysical properties (such as structural, functional, and spatial information, amino acid conservation, physicochemical variation, residue mobility, and thermodynamic stability) performed at Invitae indicates that this missense variant is not expected to disrupt DHX38 protein function with a negative predictive value of 80%. In summary, the available evidence is currently insufficient to determine the role of this variant in disease. Therefore, it has been classified as a Variant of Uncertain Significance.